The following is an entry in ClinVar:

NM_001130082.3(PLXNB1):c.2512G>T (p.Ala838Ser)

Gene: PLXNB1 (plexin B1; minus strand). Cytogenetic location: 3p21.31.
Variant type: single nucleotide variant.
Coding change: c.2512G>T on transcript NM_001130082.3 (MANE Select); coding-DNA position 2512, G replaced by T.
Protein change: p.Ala838Ser; replaces alanine 838 with serine.
Molecular consequence: missense variant.
Genome position (GRCh38, 1-based): chr3:48,419,774, C>A on the plus strand (G>T on the coding strand, the complement: PLXNB1 is on the minus strand). VCF-style: chr3-48419774-C-A. GRCh37 (hg19) VCF-style: chr3-48461183-C-A.
Other names: c.2512G>T, p.Ala838Ser (NM_002673.6); short protein forms A838S.
Identifiers: ClinVar variation 712054 (VCV000712054.6), dbSNP rs146123448, ClinGen allele CA2374811.

ClinVar aggregate classification (germline): Benign. Review status: criteria provided, multiple submitters, no conflicts (2 of 4 stars). 3 submissions from 3 submitters: Benign (2). 1 of the submissions does not count toward it. Last evaluated 2018-07-23.

Conditions:
PLXNB1-related disorder. Also called: PLXNB1-related condition.

Allele frequency attached by ClinVar (database versions not stated): ESP Exome Variant Server 0.00697; gnomAD 0.00711; TOPMed 0.00733; 1000 Genomes Project 0.00759; 1000 Genomes Project 30x 0.00843.
gnomAD v4.1: 2,118 of 1,603,900 alleles (0.13%); highest among the groups gnomAD compares: African/African-American, 2.3%; 24 homozygotes.

Submissions (3):

Labcorp Genetics (formerly Invitae), Labcorp
Classification: Benign. Last evaluated: 2018-07-23. Review status: criteria provided, single submitter. Criteria: Invitae Variant Classification Sherloc (09022015). Collection method: clinical testing. Allele origin: germline.

Breakthrough Genomics
Classification: Benign. Review status: criteria provided, single submitter. Criteria: ACMG Guidelines, 2015. Collection method: not provided. Allele origin: germline. Inheritance: Unknown mechanism. Affected: yes.

PreventionGenetics, part of Exact Sciences
Classification: Benign for PLXNB1-related condition. Last evaluated: 2019-02-24. Review status: no assertion criteria provided. Collection method: clinical testing. Allele origin: germline. Not counted in ClinVar's aggregate classification.
Comment: This variant is classified as benign based on ACMG/AMP sequence variant interpretation guidelines (Richards et al. 2015 PMID: 25741868, with internal and published modifications).